The following is an entry in ClinVar:

NM_019594.4(LRRC8A):c.1985C>A (p.Thr662Asn)

Gene: LRRC8A (leucine rich repeat containing 8 VRAC subunit A; plus strand). Cytogenetic location: 9q34.11.
Variant type: single nucleotide variant.
Coding change: c.1985C>A on transcript NM_019594.4 (MANE Select); coding-DNA position 1985, C replaced by A.
Protein change: p.Thr662Asn; replaces threonine 662 with asparagine.
Molecular consequence: missense variant.
Genome position (GRCh38, 1-based): chr9:128,909,149, C>A. VCF-style: chr9-128909149-C-A. GRCh37 (hg19) VCF-style: chr9-131671428-C-A.
Other names: c.1985C>A, p.Thr662Asn (NM_001127244.2, NM_001127245.2); short protein forms T662N.
Identifiers: ClinVar variation 2420922 (VCV002420922.6), dbSNP rs1258382253, ClinGen allele CA375085934.

ClinVar aggregate classification (germline): Uncertain significance (1 of 4 stars; one submission).

Allele frequency attached by ClinVar (database versions not stated): TOPMed below 0.00001; gnomAD 0.00001; gnomAD exomes 0.00001.
gnomAD v4.1: 12 of 1,614,016 alleles (0.00074%); highest among the groups gnomAD compares: Non-Finnish European, 0.00093%; no homozygotes.

Submission:

Labcorp Genetics (formerly Invitae), Labcorp
Classification: Uncertain significance. Last evaluated: 2024-03-23. Review status: criteria provided, single submitter. Criteria: Invitae Variant Classification Sherloc (09022015). Collection method: clinical testing. Allele origin: germline.
Comment: This sequence change replaces threonine, which is neutral and polar, with asparagine, which is neutral and polar, at codon 662 of the LRRC8A protein (p.Thr662Asn). This variant is present in population databases (no rsID available, gnomAD 0.007%). This variant has not been reported in the literature in individuals affected with LRRC8A-related conditions. ClinVar contains an entry for this variant (Variation ID: 2420922). An algorithm developed to predict the effect of missense changes on protein structure and function (PolyPhen-2) suggests that this variant is likely to be tolerated. In summary, the available evidence is currently insufficient to determine the role of this variant in disease. Therefore, it has been classified as a Variant of Uncertain Significance.